The following is an entry in ClinVar:

NM_001283009.2(RTEL1):c.2851+5C>T

Genes: RTEL1 (regulator of telomere elongation helicase 1; plus strand), RTEL1-TNFRSF6B (RTEL1-TNFRSF6B readthrough (NMD candidate); plus strand). Cytogenetic location: 20q13.33.
Variant type: single nucleotide variant.
Coding change: c.2851+5C>T on transcript NM_001283009.2 (MANE Select); 5 bases into the intron after coding-DNA position 2851, C replaced by T.
Molecular consequence: intron variant.
Genome position (GRCh38, 1-based): chr20:63,693,008, C>T. VCF-style: chr20-63693008-C-T. GRCh37 (hg19) VCF-style: chr20-62324361-C-T.
Other names: c.2182+5C>T (NM_001283010.1); c.2923+5C>T (NM_032957.5); c.2851+5C>T (NM_016434.4).
Identifiers: ClinVar variation 2172604 (VCV002172604.1), dbSNP rs1171389682, ClinGen allele CA636615254.
Genomic context (GRCh38, chr20:63,693,008, plus strand): 5'-CGCCTGTCTCGGCCCCCTCTTTGCTGAGGACCCCAAGAAGCACAACCTGCTCCAAGGTGC[C>T]CTGGCTTGCAGAGGCCACCCACCCTGAGGGCAGTGCTGCCGCCGCGTGTGGGGTGGGGGC-3'

ClinVar aggregate classification (germline): Uncertain significance (1 of 4 stars; one submission).

Conditions:
Dyskeratosis congenita, autosomal recessive 5 (DKCB5). Identifiers: MedGen C3554656, MONDO:0014076, OMIM 615190.
Pulmonary fibrosis and/or bone marrow failure, Telomere-related, 3. Also called: PULMONARY FIBROSIS AND/OR BONE MARROW FAILURE SYNDROME, TELOMERE-RELATED, 3. Identifiers: Orphanet 2032, MedGen C4225346, MONDO:0014613, OMIM 616373.

Allele frequency attached by ClinVar (database versions not stated): TOPMed below 0.00001; gnomAD 0.00001; gnomAD exomes 0.00001.
gnomAD v4.1: 10 of 1,612,354 alleles (0.00062%); highest among the groups gnomAD compares: Admixed American, 0.0017%; no homozygotes.

Submission:

Labcorp Genetics (formerly Invitae), Labcorp
Classification: Uncertain significance for Dyskeratosis congenita, autosomal recessive 5; Pulmonary fibrosis and/or bone marrow failure, Telomere-related, 3. Last evaluated: 2022-08-31. Review status: criteria provided, single submitter. Criteria: Invitae Variant Classification Sherloc (09022015). Collection method: clinical testing. Allele origin: germline.
Comment: This sequence change falls in intron 29 of the RTEL1 gene. It does not directly change the encoded amino acid sequence of the RTEL1 protein. It affects a nucleotide within the consensus splice site. This variant is present in population databases (no rsID available, gnomAD 0.0009%). This variant has not been reported in the literature in individuals affected with RTEL1-related conditions. Variants that disrupt the consensus splice site are a relatively common cause of aberrant splicing (PMID: 17576681, 9536098). Algorithms developed to predict the effect of sequence changes on RNA splicing suggest that this variant is not likely to affect RNA splicing. In summary, the available evidence is currently insufficient to determine the role of this variant in disease. Therefore, it has been classified as a Variant of Uncertain Significance.

Literature cited by the submitters: PubMed 17576681; PubMed 9536098.